The following is an entry in ClinVar:

ClinVar aggregate classification (germline): Uncertain significance (1 of 4 stars; one submission).

Allele frequency attached by ClinVar (database versions not stated): gnomAD exomes 0.00001 and 0.00002; ExAC 0.00002.
gnomAD v4.1: 10 of 1,611,264 alleles (0.00062%); highest among the groups gnomAD compares: Admixed American, 0.005%; no homozygotes.

Submission:

Labcorp Genetics (formerly Invitae), Labcorp
Classification: Uncertain significance. Last evaluated: 2022-03-01. Review status: criteria provided, single submitter. Criteria: Invitae Variant Classification Sherloc (09022015). Collection method: clinical testing. Allele origin: germline.
Comment: This sequence change replaces proline, which is neutral and non-polar, with histidine, which is basic and polar, at codon 94 of the RUSC2 protein (p.Pro94His). In summary, the available evidence is currently insufficient to determine the role of this variant in disease. Therefore, it has been classified as a Variant of Uncertain Significance. Algorithms developed to predict the effect of missense changes on protein structure and function are either unavailable or do not agree on the potential impact of this missense change (SIFT: "Deleterious"; PolyPhen-2: "Possibly Damaging"; Align-GVGD: "Class C15"). This variant has not been reported in the literature in individuals affected with RUSC2-related conditions. This variant is present in population databases (rs760816596, gnomAD 0.009%).

NM_014806.5(RUSC2):c.281C>A (p.Pro94His)

Gene: RUSC2 (RUN and SH3 domain containing 2; plus strand). Cytogenetic location: 9p13.3.
Variant type: single nucleotide variant.
Coding change: c.281C>A on transcript NM_014806.5 (MANE Select); coding-DNA position 281, C replaced by A.
Protein change: p.Pro94His; replaces proline 94 with histidine.
Molecular consequence: missense variant. On other transcripts: non-coding transcript variant (1), intron variant (1).
Genome position (GRCh38, 1-based): chr9:35,546,802, C>A. VCF-style: chr9-35546802-C-A. GRCh37 (hg19) VCF-style: chr9-35546799-C-A.
Other names: c.281C>A, p.Pro94His (NM_001135999.2); c.-620-8258C>A (NM_001330740.2); short protein forms P94H.
Identifiers: ClinVar variation 1406325 (VCV001406325.8), dbSNP rs760816596, ClinGen allele CA5043436.